The following is an entry in ClinVar:

NM_006172.4(NPPA):c.296G>A (p.Arg99Gln)

Genes: NPPA (natriuretic peptide A; minus strand), NPPA-AS1 (NPPA antisense RNA 1; plus strand), LOC114827827 (VISTA enhancer hs2123; plus strand). Cytogenetic location: 1p36.22.
Variant type: single nucleotide variant.
Coding change: c.296G>A on transcript NM_006172.4 (MANE Select); coding-DNA position 296, G replaced by A.
Protein change: p.Arg99Gln; replaces arginine 99 with glutamine.
Molecular consequence: missense variant.
Genome position (GRCh38, 1-based): chr1:11,847,267, C>T on the plus strand (G>A on the coding strand, the complement: NPPA is on the minus strand). VCF-style: chr1-11847267-C-T. GRCh37 (hg19) VCF-style: chr1-11907324-C-T.
Other names: short protein forms R99Q.
Identifiers: ClinVar variation 4745364 (VCV004745364.1).

ClinVar aggregate classification (germline): Uncertain significance (1 of 4 stars; one submission).

Conditions:
Atrial fibrillation, familial, 6 (ATFB6). Identifiers: MedGen C2677294, MONDO:0012816, OMIM 612201.

Submission:

Labcorp Genetics (formerly Invitae), Labcorp
Classification: Uncertain significance for Atrial fibrillation, familial, 6. Last evaluated: 2025-08-10. Review status: criteria provided, single submitter. Criteria: Invitae Variant Classification Sherloc (09022015). Collection method: clinical testing. Allele origin: germline.
Comment: This sequence change replaces arginine, which is basic and polar, with glutamine, which is neutral and polar, at codon 99 of the NPPA protein (p.Arg99Gln). This variant is present in population databases (rs765848358, gnomAD 0.01%). This variant has not been reported in the literature in individuals affected with NPPA-related conditions. An algorithm developed to predict the effect of missense changes on protein structure and function outputs the following: PolyPhen-2: "Benign". The glutamine amino acid residue is found in multiple mammalian species, which suggests that this missense change does not adversely affect protein function. In summary, the available evidence is currently insufficient to determine the role of this variant in disease. Therefore, it has been classified as a Variant of Uncertain Significance.